The following is an entry in ClinVar:

NM_007294.4(BRCA1):c.3419G>A (p.Ser1140Asn)

Genes: BRCA1 (BRCA1 DNA repair associated; minus strand), LOC126862571 (BRD4-independent group 4 enhancer GRCh37_chr17:41243136-41244335; plus strand). Cytogenetic location: 17q21.31.
Variant type: single nucleotide variant.
Coding change: c.3419G>A on transcript NM_007294.4 (MANE Select); coding-DNA position 3419, G replaced by A.
Protein change: p.Ser1140Asn; replaces serine 1140 with asparagine.
Molecular consequence: missense variant. On other transcripts: intron variant (135).
Genome position (GRCh38, 1-based): chr17:43,092,112, C>T on the plus strand (G>A on the coding strand, the complement: BRCA1 is on the minus strand). VCF-style: chr17-43092112-C-T. GRCh37 (hg19) VCF-style: chr17-41244129-C-T.
Other names: c.3206G>A, p.Ser1069Asn (NM_001407571.1, NM_001407853.1, NM_001407894.1 and 9 more transcripts); c.3419G>A, p.Ser1140Asn (NM_001407581.1, NM_001407582.1, NM_001407583.1 and 30 more transcripts); c.3416G>A, p.Ser1139Asn (NM_001407587.1, NM_001407590.1, NM_001407591.1 and 22 more transcripts); c.3410G>A, p.Ser1137Asn (NM_001407646.1, NM_001407647.1); c.3296G>A, p.Ser1099Asn (NM_001407648.1, NM_001407664.1, NM_001407665.1 and 19 more transcripts); c.3293G>A, p.Ser1098Asn (NM_001407649.1, NM_001407670.1, NM_001407671.1 and 11 more transcripts); c.3341G>A, p.Ser1114Asn (NM_001407653.1, NM_001407654.1, NM_001407655.1 and 4 more transcripts); c.3338G>A, p.Ser1113Asn (NM_001407659.1, NM_001407660.1, NM_001407661.1 and 1 more transcripts); and 41 more; short protein forms S1093N, S1140N, S1012N, S1052N, S1092N, S1099N, S1029N, S1069N.
Identifiers: ClinVar variation 852463 (VCV000852463.21), dbSNP rs2053590016, ClinGen allele CA10595144.
Genomic context (GRCh38, chr17:43,092,112, plus strand): 5'-TTTATTTCACCATCATCTAACAGGTCATCAGGTGTCTCAGAACAAACCTGAGATGCATGA[C>T]TACTTCCCATAGGCTGTTCTAAGTTATCTGAAATCAGATATGGAGAGAAATCTGTATTAA-3'
Protein context (NP_009225.1, residues 1130-1150): SDNLEQPMGS[Ser1140Asn]HASQVCSETP

ClinVar aggregate classification (germline): Conflicting classifications of pathogenicity. Review status: criteria provided, conflicting classifications (1 of 4 stars). 2 submissions from 2 submitters: Uncertain significance (1); Likely benign (1). Last evaluated 2023-03-23.

Conditions:
Hereditary breast ovarian cancer syndrome. Also called: Hereditary breast and ovarian cancer syndrome; BRCA1- and BRCA2-Associated Hereditary Breast and Ovarian Cancer; Hereditary breast and/or ovarian cancer syndrome; Hereditary breast and ovarian cancer; Hereditary breast and ovarian cancer syndrome (HBOC); Breast and ovarian cancer. Identifiers: Orphanet 145, MedGen C0677776, MeSH D061325, MONDO:0003582. Disease mechanism: loss of function.
Hereditary cancer-predisposing syndrome. Also called: Neoplastic Syndromes, Hereditary; Hereditary Cancer Syndrome; Tumor predisposition; Hereditary neoplastic syndrome. Identifiers: Orphanet 140162, MedGen C0027672, MeSH D009386, MONDO:0015356.

Submissions (2):

University of Washington Department of Laboratory Medicine, University of Washington
Classification: Likely benign for Hereditary cancer-predisposing syndrome. Last evaluated: 2023-03-23. Review status: criteria provided, single submitter. Criteria: Dines et al. (Genet Med. 2020). Collection method: curation. Allele origin: germline.
Comment: Missense variant in a coldspot region where missense variants are very unlikely to be pathogenic (PMID:31911673).

BRCA1 coldspot (exon 11 using historical exon numbering). Reclassification based on statistical prior probability

Labcorp Genetics (formerly Invitae), Labcorp
Classification: Uncertain significance for Hereditary breast ovarian cancer syndrome. Last evaluated: 2019-12-13. Review status: criteria provided, single submitter. Criteria: Invitae Variant Classification Sherloc (09022015). Collection method: clinical testing. Allele origin: germline.
Comment: In summary, the available evidence is currently insufficient to determine the role of this variant in disease. Therefore, it has been classified as a Variant of Uncertain Significance. Algorithms developed to predict the effect of missense changes on protein structure and function output the following: SIFT: "Tolerated"; PolyPhen-2: "Benign"; Align-GVGD: "Class C0". The asparagine amino acid residue is found in multiple mammalian species, suggesting that this missense change does not adversely affect protein function. These predictions have not been confirmed by published functional studies and their clinical significance is uncertain. This variant has not been reported in the literature in individuals with BRCA1-related conditions. This variant is not present in population databases (ExAC no frequency). This sequence change replaces serine with asparagine at codon 1140 of the BRCA1 protein (p.Ser1140Asn). The serine residue is weakly conserved and there is a small physicochemical difference between serine and asparagine.